The following is an entry in ClinVar:

NM_001242896.3(DEPDC5):c.3216G>C (p.Glu1072Asp)

Gene: DEPDC5 (DEP domain containing 5, GATOR1 subcomplex subunit; plus strand). Cytogenetic location: 22q12.3.
Variant type: single nucleotide variant.
Coding change: c.3216G>C on transcript NM_001242896.3 (MANE Select); coding-DNA position 3216, G replaced by C.
Protein change: p.Glu1072Asp; replaces glutamic acid 1072 with aspartic acid.
Molecular consequence: missense variant. On other transcripts: non-coding transcript variant (5).
Genome position (GRCh38, 1-based): chr22:31,857,505, G>C. VCF-style: chr22-31857505-G-C. GRCh37 (hg19) VCF-style: chr22-32253491-G-C.
Other names: c.3189G>C, p.Glu1063Asp (NM_001136029.4, NM_001369903.1, NM_014662.6); c.2982G>C, p.Glu994Asp (NM_001242897.2, NM_001363854.2, NM_001364319.2); c.3216G>C, p.Glu1072Asp (NM_001363852.2, NM_001364318.2, NM_001364320.2); c.3132G>C, p.Glu1044Asp (NM_001369901.1, NM_001369902.1); short protein forms E1072D, E994D, E1044D, E1063D.
Identifiers: ClinVar variation 466480 (VCV000466480.12), dbSNP rs753608617, ClinGen allele CA10196908.

ClinVar aggregate classification (germline): Uncertain significance. Review status: criteria provided, multiple submitters, no conflicts (2 of 4 stars). 3 submissions from 3 submitters: Uncertain significance (3). Last evaluated 2026-06-01.

Conditions:
Familial focal epilepsy with variable foci (FPEVF). Identifiers: Orphanet 98820, MedGen C1858477, MONDO:0020310.
Epilepsy, familial focal, with variable foci 1 (FFEVF1). Also called: DEPDC5-Related Epilepsy. Identifiers: MedGen C4551983, MONDO:0024556, OMIM 604364.

Allele frequency attached by ClinVar (database versions not stated): gnomAD exomes below 0.00001; ExAC 0.00001.
gnomAD v4.1: 7 of 1,612,722 alleles (0.00043%); highest among the groups gnomAD compares: East Asian, 0.0022%; no homozygotes.

Submissions (3):

CeGaT Center for Human Genetics Tuebingen
Classification: Uncertain significance. Last evaluated: 2026-06-01. Review status: criteria provided, single submitter. Criteria: CeGaT Center For Human Genetics Tuebingen Variant Classification Criteria Version 2. Collection method: clinical testing. Allele origin: germline. Affected: yes. Observed: 1 variant allele.
Comment: DEPDC5: PM2, BP4

Labcorp Genetics (formerly Invitae), Labcorp
Classification: Uncertain significance for Familial focal epilepsy with variable foci. Last evaluated: 2025-10-01. Review status: criteria provided, single submitter. Criteria: Invitae Variant Classification Sherloc (09022015). Collection method: clinical testing. Allele origin: germline.
Comment: This sequence change replaces glutamic acid, which is acidic and polar, with aspartic acid, which is acidic and polar, at codon 1072 of the DEPDC5 protein (p.Glu1072Asp). This variant is present in population databases (rs753608617, gnomAD 0.006%). This variant has not been reported in the literature in individuals affected with DEPDC5-related conditions. ClinVar contains an entry for this variant (Variation ID: 466480). An algorithm developed to predict the effect of missense changes on protein structure and function outputs the following: PolyPhen-2: "Not Available". The aspartic acid amino acid residue is found in multiple mammalian species, which suggests that this missense change does not adversely affect protein function. In summary, the available evidence is currently insufficient to determine the role of this variant in disease. Therefore, it has been classified as a Variant of Uncertain Significance.

Fulgent Genetics
Classification: Uncertain significance for Epilepsy, familial focal, with variable foci 1. Last evaluated: 2021-10-07. Review status: criteria provided, single submitter. Criteria: ACMG Guidelines, 2015. Collection method: clinical testing. Allele origin: unknown.